The following is an entry in ClinVar:

ClinVar aggregate classification (germline): Pathogenic (1 of 4 stars; one submission).

Submission:

Labcorp Genetics (formerly Invitae), Labcorp
Classification: Pathogenic. Last evaluated: 2023-11-25. Review status: criteria provided, single submitter. Criteria: Invitae Variant Classification Sherloc (09022015). Collection method: clinical testing. Allele origin: germline.
Comment: This sequence change creates a premature translational stop signal (p.Lys3689Argfs*72) in the HSPG2 gene. It is expected to result in an absent or disrupted protein product. Loss-of-function variants in HSPG2 are known to be pathogenic (PMID: 11279527, 16927315, 20542149, 23836246). This variant is not present in population databases (gnomAD no frequency). This variant has not been reported in the literature in individuals affected with HSPG2-related conditions. For these reasons, this variant has been classified as Pathogenic.

Literature cited by the submitters: PubMed 11279527; PubMed 16927315; PubMed 20542149; PubMed 23836246.

NM_005529.7(HSPG2):c.11066del (p.Lys3689fs)

Gene: HSPG2 (heparan sulfate proteoglycan 2; minus strand). Cytogenetic location: 1p36.12.
Variant type: Deletion.
Coding change: c.11066del on transcript NM_005529.7 (MANE Select); coding-DNA position 11066, one base deleted (A; older notation c.11066delA).
Protein change: p.Lys3689fs; shifts the reading frame from lysine 3689.
Molecular consequence: frameshift variant.
Genome position (GRCh38, 1-based): chr1:21,833,297, T deleted on the plus strand (A on the coding strand, the reverse complement: HSPG2 is on the minus strand); the first of 2 consecutive T bases (chr1:21,833,297-21,833,298); deleting either gives the same sequence. VCF-style (leftmost placement, unchanged base first): chr1-21833296-CT-C. GRCh37 (hg19) VCF-style: chr1-22159789-CT-C.
Other names: c.11069del, p.Lys3690fs (NM_001291860.2); short protein forms K3689fs, K3690fs.
Identifiers: ClinVar variation 2699028 (VCV002699028.3), dbSNP rs2550633710, ClinGen allele CA2697552232.